The following is an entry in ClinVar:

ClinVar aggregate classification (germline): Uncertain significance (1 of 4 stars; one submission).

Conditions:
Osteogenesis imperfecta type I (OI1). Also called: Lobstein disease; OI, TYPE I; OSTEOGENESIS IMPERFECTA TARDA; OSTEOGENESIS IMPERFECTA WITH BLUE SCLERAE; Osteogenesis imperfecta type 1; Lobstein's Disease. Identifiers: Orphanet 216796, Orphanet 666, MedGen C0023931, MONDO:0008146, OMIM 166200. Disease mechanism: loss of function.
Ehlers-Danlos syndrome, classic type, 1 (EDSCL1). Also called: EDS I; EHLERS-DANLOS SYNDROME, GRAVIS TYPE; EHLERS-DANLOS SYNDROME, SEVERE CLASSIC TYPE; Ehlers-Danlos syndrome, type 1; Ehlers-Danlos Syndrome, Classic Type, COL5A1-Related. Identifiers: MedGen C0268335, MONDO:0019567, OMIM 130000.

Submission:

Labcorp Genetics (formerly Invitae), Labcorp
Classification: Uncertain significance for Osteogenesis imperfecta type I; Ehlers-Danlos syndrome, classic type, 1. Last evaluated: 2023-10-03. Review status: criteria provided, single submitter. Criteria: Invitae Variant Classification Sherloc (09022015). Collection method: clinical testing. Allele origin: germline.
Comment: This sequence change replaces valine, which is neutral and non-polar, with alanine, which is neutral and non-polar, at codon 759 of the COL1A2 protein (p.Val759Ala). This variant is not present in population databases (gnomAD no frequency). This variant has not been reported in the literature in individuals affected with COL1A2-related conditions. Advanced modeling of protein sequence and biophysical properties (such as structural, functional, and spatial information, amino acid conservation, physicochemical variation, residue mobility, and thermodynamic stability) performed at Invitae indicates that this missense variant is not expected to disrupt COL1A2 protein function. In summary, the available evidence is currently insufficient to determine the role of this variant in disease. Therefore, it has been classified as a Variant of Uncertain Significance.

NM_000089.4(COL1A2):c.2276T>C (p.Val759Ala)

Gene: COL1A2 (collagen type I alpha 2 chain; plus strand). Cytogenetic location: 7q21.3.
Variant type: single nucleotide variant.
Coding change: c.2276T>C on transcript NM_000089.4 (MANE Select); coding-DNA position 2276, T replaced by C.
Protein change: p.Val759Ala; replaces valine 759 with alanine.
Molecular consequence: missense variant.
Genome position (GRCh38, 1-based): chr7:94,420,629, T>C. VCF-style: chr7-94420629-T-C. GRCh37 (hg19) VCF-style: chr7-94049941-T-C.
Other names: short protein forms V759A.
Identifiers: ClinVar variation 2929645 (VCV002929645.3), dbSNP rs2484725797, ClinGen allele CA368223609.